The following is an entry in ClinVar:

NM_005732.4(RAD50):c.2488C>G (p.Gln830Glu)

Gene: RAD50 (RAD50 double strand break repair protein; plus strand). Cytogenetic location: 5q31.1.
Variant type: single nucleotide variant.
Coding change: c.2488C>G on transcript NM_005732.4 (MANE Select); coding-DNA position 2488, C replaced by G.
Protein change: p.Gln830Glu; replaces glutamine 830 with glutamic acid.
Molecular consequence: missense variant.
Genome position (GRCh38, 1-based): chr5:132,604,010, C>G. VCF-style: chr5-132604010-C-G. GRCh37 (hg19) VCF-style: chr5-131939702-C-G.
Other names: short protein forms Q830E.
Identifiers: ClinVar variation 1792013 (VCV001792013.2), dbSNP rs748246979, ClinGen allele CA3405399.
Genomic context (GRCh38, chr5:132,604,010, plus strand): 5'-GCACAACAAGCAGCTAAGCTACAAGGAATAGACTTAGATCGAACTGTCCAACAAGTCAAC[C>G]AGGAGAAACAAGAGAAACAGCACAAGTTAGACACAGGTAATACAGTCTGTGTCCTTCTGT-3'
Protein context (NP_005723.2, residues 820-840): DLDRTVQQVN[Gln830Glu]EKQEKQHKLD

ClinVar aggregate classification (germline): Uncertain significance (1 of 4 stars; one submission).

Conditions:
Hereditary cancer-predisposing syndrome. Also called: Hereditary Cancer Syndrome; Hereditary neoplastic syndrome; Tumor predisposition; Neoplastic Syndromes, Hereditary. Identifiers: Orphanet 140162, MedGen C0027672, MeSH D009386, MONDO:0015356.

Allele frequency attached by ClinVar (database versions not stated): ExAC 0.00001.

Submission:

Ambry Genetics
Classification: Uncertain significance for Hereditary cancer-predisposing syndrome. Last evaluated: 2015-12-06. Review status: criteria provided, single submitter. Criteria: Ambry Variant Classification Scheme 2023. Collection method: clinical testing. Allele origin: germline.
Comment: The p.Q830E variant (also known as c.2488C>G), located in coding exon 15 of the RAD50 gene, results from a C to G substitution at nucleotide position 2488. The glutamine at codon 830 is replaced by glutamic acid, an amino acid with highly similar properties. This variant was not reported in population based cohorts in the following databases: Database of Single Nucleotide Polymorphisms (dbSNP), NHLBI Exome Sequencing Project (ESP), and 1000 Genomes Project. In the ESP, this variant was not observed in 6503 samples (13006 alleles) with coverage at this position. To date, this alteration has been detected with an allele frequency of approximately 0.001% (greater than 120000 alleles tested) in our clinical cohort. This amino acid position is well conserved in available vertebrate species. In addition, this alteration is predicted to be tolerated by in silico analysis. Since supporting evidence is limited at this time, the clinical significance of p.Q830E remains unclear.